The following is an entry in ClinVar:

NM_004211.5(SLC6A5):c.363G>T (p.Lys121Asn)

Gene: SLC6A5 (solute carrier family 6 member 5; plus strand). Cytogenetic location: 11p15.1.
Variant type: single nucleotide variant.
Coding change: c.363G>T on transcript NM_004211.5 (MANE Select); coding-DNA position 363, G replaced by T.
Protein change: p.Lys121Asn; replaces lysine 121 with asparagine.
Molecular consequence: missense variant. On other transcripts: 5 prime UTR variant (1).
Genome position (GRCh38, 1-based): chr11:20,601,488, G>T. VCF-style: chr11-20601488-G-T. GRCh37 (hg19) VCF-style: chr11-20623034-G-T.
Other names: c.-201G>T (NM_001318369.2); short protein forms K121N.
Identifiers: ClinVar variation 2060983 (VCV002060983.2), dbSNP rs1395952876, ClinGen allele CA379912049.

ClinVar aggregate classification (germline): Uncertain significance (1 of 4 stars; one submission).

Conditions:
Hyperekplexia 3 (HKPX3). Also called: HYPEREKPLEXIA 3, AUTOSOMAL RECESSIVE; HYPEREKPLEXIA 3, AUTOSOMAL DOMINANT. Identifiers: Orphanet 3197, MedGen C3553288, MONDO:0013827, OMIM 614618.

Allele frequency attached by ClinVar (database versions not stated): gnomAD exomes below 0.00001; TOPMed 0.00006.

Submission:

Labcorp Genetics (formerly Invitae), Labcorp
Classification: Uncertain significance for Hyperekplexia 3. Last evaluated: 2022-03-14. Review status: criteria provided, single submitter. Criteria: Invitae Variant Classification Sherloc (09022015). Collection method: clinical testing. Allele origin: germline.
Comment: This variant has not been reported in the literature in individuals affected with SLC6A5-related conditions. In summary, the available evidence is currently insufficient to determine the role of this variant in disease. Therefore, it has been classified as a Variant of Uncertain Significance. Advanced modeling of protein sequence and biophysical properties (such as structural, functional, and spatial information, amino acid conservation, physicochemical variation, residue mobility, and thermodynamic stability) performed at Invitae indicates that this missense variant is not expected to disrupt SLC6A5 protein function. The frequency data for this variant in the population databases is considered unreliable, as metrics indicate poor data quality at this position in the gnomAD database. This sequence change replaces lysine, which is basic and polar, with asparagine, which is neutral and polar, at codon 121 of the SLC6A5 protein (p.Lys121Asn).